The following is an entry in ClinVar:

NM_001374736.1(DST):c.3476C>T (p.Ala1159Val)

Gene: DST (dystonin; minus strand). Cytogenetic location: 6p12.1.
Variant type: single nucleotide variant.
Coding change: c.3476C>T on transcript NM_001374736.1 (MANE Select); coding-DNA position 3476, C replaced by T.
Protein change: p.Ala1159Val; replaces alanine 1159 with valine.
Molecular consequence: missense variant.
Genome position (GRCh38, 1-based): chr6:56,634,480, G>A on the plus strand (C>T on the coding strand, the complement: DST is on the minus strand). VCF-style: chr6-56634480-G-A. GRCh37 (hg19) VCF-style: chr6-56499278-G-A.
Other names: c.3377C>T, p.Ala1126Val (NM_001144769.5); c.2963C>T, p.Ala988Val (NM_001144770.2); c.3476C>T, p.Ala1159Val (NM_001374722.1); c.2843C>T, p.Ala948Val (NM_001374729.1, NM_001374730.1, NM_001386100.1 and 1 more transcripts); c.3503C>T, p.Ala1168Val (NM_001374734.1); c.1865C>T, p.Ala622Val (NM_001723.7, NM_015548.5); short protein forms A622V, A1126V, A948V, A988V, A1159V, A1168V.
Identifiers: ClinVar variation 567030 (VCV000567030.6), dbSNP rs150971786, ClinGen allele CA3871156.

ClinVar aggregate classification (germline): Uncertain significance (1 of 4 stars; one submission).

Conditions:
Epidermolysis bullosa simplex 3, localized or generalized intermediate, with BP230 deficiency (EBS3). Also called: Epidermolysis bullosa simplex due to BP230 deficiency; Epidermolysis bullosa simplex, autosomal recessive 2. Identifiers: Orphanet 412181, MedGen C3809470, MONDO:0014180, OMIM 615425.
Hereditary sensory and autonomic neuropathy type 6. Also called: HSAN VI; Neuropathy, hereditary sensory and autonomic, type VI. Identifiers: Orphanet 314381, MedGen C3539003, MONDO:0013839, OMIM 614653.

Allele frequency attached by ClinVar (database versions not stated): gnomAD exomes 0.00001 and 0.00003; TOPMed 0.00003; ExAC 0.00004; gnomAD 0.00005 and 0.00006; ESP Exome Variant Server 0.00008.
gnomAD v4.1: 25 of 1,613,988 alleles (0.0015%); highest among the groups gnomAD compares: African/African-American, 0.012%; 1 homozygote.

Submission:

Labcorp Genetics (formerly Invitae), Labcorp
Classification: Uncertain significance for Epidermolysis bullosa simplex 3, localized or generalized intermediate, with BP230 deficiency; Hereditary sensory and autonomic neuropathy type 6. Last evaluated: 2022-01-05. Review status: criteria provided, single submitter. Criteria: Invitae Variant Classification Sherloc (09022015). Collection method: clinical testing. Allele origin: germline.
Comment: This sequence change replaces alanine, which is neutral and non-polar, with valine, which is neutral and non-polar, at codon 622 of the DST protein (p.Ala622Val). This variant is present in population databases (rs150971786, gnomAD 0.01%). This variant has not been reported in the literature in individuals affected with DST-related conditions. ClinVar contains an entry for this variant (Variation ID: 567030). Algorithms developed to predict the effect of missense changes on protein structure and function (SIFT, PolyPhen-2, Align-GVGD) all suggest that this variant is likely to be disruptive. In summary, the available evidence is currently insufficient to determine the role of this variant in disease. Therefore, it has been classified as a Variant of Uncertain Significance.